The following is an entry in ClinVar:

NM_022726.4(ELOVL4):c.-236C>T

Gene: ELOVL4 (ELOVL fatty acid elongase 4; minus strand). Cytogenetic location: 6q14.1.
Variant type: single nucleotide variant.
Coding change: c.-236C>T on transcript NM_022726.4 (MANE Select); 236 bases upstream of the start codon, C replaced by T.
Molecular consequence: 5 prime UTR variant.
Genome position (GRCh38, 1-based): chr6:79,947,515, G>A on the plus strand (C>T on the coding strand, the complement: ELOVL4 is on the minus strand). VCF-style: chr6-79947515-G-A. GRCh37 (hg19) VCF-style: chr6-80657232-G-A.
Identifiers: ClinVar variation 358156 (VCV000358156.6), dbSNP rs240307, ClinGen allele CA10627696.

ClinVar aggregate classification (germline): Benign. Review status: criteria provided, multiple submitters, no conflicts (2 of 4 stars). 2 submissions from 2 submitters: Benign (2). Last evaluated 2018-06-19.

Conditions:
Stargardt disease 3. Also called: MACULAR DYSTROPHY WITH FLECKS, TYPE 3; STARGARDT-LIKE MACULAR DYSTROPHY, AUTOSOMAL DOMINANT. Identifiers: Orphanet 827, MedGen C1838644, MONDO:0010819, OMIM 600110.

Allele frequency attached by ClinVar (database versions not stated): gnomAD 0.13939 and 0.14804; 1000 Genomes Project 0.14517; TOPMed 0.15138; 1000 Genomes Project 30x 0.15162.
gnomAD v4.1: 35,944 of 557,406 alleles (6.4%); highest among the groups gnomAD compares: African/African-American, 41%; 4,901 homozygotes.

Submissions (2):

GeneDx
Classification: Benign. Last evaluated: 2018-06-19. Review status: criteria provided, single submitter. Criteria: GeneDx Variant Classification (06012015). Collection method: clinical testing. Allele origin: germline. Affected: yes.
Comment: This variant is considered likely benign or benign based on one or more of the following criteria: it is a conservative change, it occurs at a poorly conserved position in the protein, it is predicted to be benign by multiple in silico algorithms, and/or has population frequency not consistent with disease.

Illumina Laboratory Services, Illumina
Classification: Benign for Stargardt disease 3. Last evaluated: 2018-01-13. Review status: criteria provided, single submitter. Criteria: ICSL Variant Classification Criteria 13 December 2019. Collection method: clinical testing. Allele origin: germline.
Comment: This variant was observed in the ICSL laboratory as part of a predisposition screen in an ostensibly healthy population. It had not been previously curated by ICSL or reported in the Human Gene Mutation Database (HGMD: prior to June 1st, 2018), and was therefore a candidate for classification through an automated scoring system. Utilizing variant allele frequency, disease prevalence and penetrance estimates, and inheritance mode, an automated score was calculated to assess if this variant is too frequent to cause the disease. Based on the score and internal cut-off values, a variant classified as benign is not then subjected to further curation. The score for this variant resulted in a classification of benign for this disease.